The following is an entry in ClinVar:

NM_000219.6(KCNE1):c.1A>G (p.Met1Val)

Gene: KCNE1 (potassium voltage-gated channel subfamily E regulatory subunit 1; minus strand). Cytogenetic location: 21q22.12.
Variant type: single nucleotide variant.
Coding change: c.1A>G on transcript NM_000219.6 (MANE Select); coding-DNA position 1, A replaced by G.
Protein change: p.Met1Val; changes the start codon (methionine 1).
Molecular consequence: missense variant, initiator codon variant.
Genome position (GRCh38, 1-based): chr21:34,449,634, T>C on the plus strand (A>G on the coding strand, the complement: KCNE1 is on the minus strand). VCF-style: chr21-34449634-T-C. GRCh37 (hg19) VCF-style: chr21-35821932-T-C.
Other names: c.1A>G, p.Met1Val (NM_001127668.4, NM_001127669.4, NM_001127670.4 and 4 more transcripts); short protein forms M1V.
Identifiers: ClinVar variation 3373962 (VCV003373962.2).

Conditions:
Long QT syndrome 5 (LQT5). Identifiers: Orphanet 101016, Orphanet 768, MedGen C1867904, MONDO:0013372, OMIM 613695.

Submission:

Roden Lab, Vanderbilt University Medical Center
No classification provided (evidence only). Condition: Long QT syndrome 5. Review status: no classification provided. Collection method: in vitro. Allele origin: not applicable. Functional consequence: Effect on ion channel function.
ClinVar note: "not provided" was previously submitted as the classification for the variant. However, the classification appeared to be based only on an observation of functional data so it was converted to no classification on 2025-07-30.